The following is an entry in ClinVar:

NM_000260.4(MYO7A):c.6048C>A (p.Tyr2016Ter)

Gene: MYO7A (myosin VIIA; plus strand). Cytogenetic location: 11q13.5.
Variant type: single nucleotide variant.
Coding change: c.6048C>A on transcript NM_000260.4 (MANE Select); coding-DNA position 6048, C replaced by A.
Protein change: p.Tyr2016Ter; replaces tyrosine 2016 with a stop codon.
Molecular consequence: nonsense.
Genome position (GRCh38, 1-based): chr11:77,208,800, C>A. VCF-style: chr11-77208800-C-A. GRCh37 (hg19) VCF-style: chr11-76919845-C-A.
Other names: c.5934C>A, p.Tyr1978Ter (NM_001127180.2); c.5901C>A, p.Tyr1967Ter (NM_001369365.1); short protein forms Y1967*, Y1978*, Y2016*.
Identifiers: ClinVar variation 4818032 (VCV004818032.1).

ClinVar aggregate classification (germline): Likely pathogenic (1 of 4 stars; one submission).

Conditions:
Usher syndrome type 1B (USH1B). Also called: Usher syndrome type IB. Identifiers: MedGen C1848638, MONDO:0700087.

Submission:

Natera, Inc.
Classification: Likely pathogenic for Usher syndrome type 1B. Last evaluated: 2024-10-07. Review status: criteria provided, single submitter. Criteria: Natera Variant Classification Schema (03/2026). Collection method: clinical testing. Allele origin: germline.
Comment: The c.6048C>A variant in MYO7A is a nonsense variant predicted to introduce a stop codon at amino acid 2016. This variant is expected to result in nonsense mediated decay, truncation, or a dysfunctional protein product. This variant is rare in the general population with a frequency below the threshold expected for the associated phenotype(s). Given the available evidence, this variant is classified as Likely Pathogenic.